The following is an entry in ClinVar:

ClinVar aggregate classification (germline): Conflicting classifications of pathogenicity. Review status: criteria provided, conflicting classifications (1 of 4 stars). 7 submissions from 7 submitters: Uncertain significance (2); Likely benign (3). 2 of the submissions do not count toward it. Last evaluated 2026-01-10.

Conditions:
Hereditary cancer-predisposing syndrome. Also called: Hereditary neoplastic syndrome; Neoplastic Syndromes, Hereditary; Hereditary Cancer Syndrome; Tumor predisposition. Identifiers: Orphanet 140162, MedGen C0027672, MeSH D009386, MONDO:0015356.
Familial cancer of breast. Also called: Hereditary breast cancer; BREAST CANCER, FAMILIAL; hereditary breast carcinoma. Identifiers: Orphanet 227535, MedGen C0346153, MONDO:0016419, OMIM 114480. Disease mechanism: loss of function.

Allele frequency attached by ClinVar (database versions not stated): gnomAD 0.00001; gnomAD exomes 0.00002 and 0.00004; TOPMed 0.00002; ExAC 0.00007.
gnomAD v4.1: 29 of 1,613,876 alleles (0.0018%); highest among the groups gnomAD compares: Non-Finnish European, 0.0023%; no homozygotes.

Submissions (7):

Labcorp Genetics (formerly Invitae), Labcorp
Classification: Uncertain significance for Familial cancer of breast. Last evaluated: 2026-01-10. Review status: criteria provided, single submitter. Criteria: Invitae Variant Classification Sherloc (09022015). Collection method: clinical testing. Allele origin: germline.
Comment: This sequence change replaces valine, which is neutral and non-polar, with alanine, which is neutral and non-polar, at codon 25 of the CHEK2 protein (p.Val25Ala). This variant is present in population databases (rs587780188, gnomAD 0.01%). This missense change has been observed in individual(s) with breast cancer, colon cancer, ovarian, peritoneal, or fallopian tube cancer (PMID: 21244692, 22006311, 29458332). ClinVar contains an entry for this variant (Variation ID: 128085). An algorithm developed to predict the effect of missense changes on protein structure and function (PolyPhen-2) suggests that this variant is likely to be tolerated. Experimental studies have shown that this missense change does not substantially affect CHEK2 function (PMID: 22006311, 22419737). In summary, the available evidence is currently insufficient to determine the role of this variant in disease. Therefore, it has been classified as a Variant of Uncertain Significance.

Myriad Genetics, Inc.
Classification: Uncertain significance for Familial cancer of breast. Last evaluated: 2023-03-09. Review status: criteria provided, single submitter. Criteria: Myriad Autosomal Dominant, Autosomal Recessive and X-Linked Classification Criteria (2023). Collection method: clinical testing. Allele origin: unknown.
Comment: This variant is classified as a variant of uncertain significance as there is insufficient evidence to determine its impact on protein function and/or cancer risk.

GeneDx
Classification: Likely benign. Last evaluated: 2019-08-14. Review status: criteria provided, single submitter. Criteria: GeneDx Variant Classification Process June 2021. Collection method: clinical testing. Allele origin: germline. Affected: yes.
Comment: Not observed at a significant frequency in large population cohorts (Lek et al., 2016); In silico analysis, which includes protein predictors and evolutionary conservation, supports that this variant does not alter protein structure/function; This variant is associated with the following publications: (PMID: 21244692, 22006311, 22419737, 26787654, 29458332)

Ambry Genetics
Classification: Likely benign for Hereditary cancer-predisposing syndrome. Last evaluated: 2018-04-21. Review status: criteria provided, single submitter. Criteria: Ambry Variant Classification Scheme 2023. Collection method: clinical testing. Allele origin: germline.

Color Diagnostics, LLC DBA Color Health
Classification: Likely benign for Hereditary cancer-predisposing syndrome. Last evaluated: 2016-09-29. Review status: criteria provided, single submitter. Criteria: ACMG Guidelines, 2015. Collection method: clinical testing. Allele origin: germline.

Genetic Services Laboratory, University of Chicago
Classification: Uncertain significance. Last evaluated: 2022-09-07. Review status: no assertion criteria provided. Collection method: clinical testing. Allele origin: germline. Affected: no. Not counted in ClinVar's aggregate classification.
Comment: DNA sequence analysis of the CHEK2 gene demonstrated a sequence change, c.74T>C, in exon 2 that results in an amino acid change, p.Val25Ala. This sequence change has been previously described in individuals with breast cancer, colorectal cancer, ovarian, peritoneal, or fallopian tube cancer (PMID: 21244692, 22006311, 29458332). Functional assays have shown that it does not impact CHEK2 function (PMID: 22006311, 22419737). This sequence change has been described in the gnomAD database with a frequency of 0.01% in the European subpopulation (dbSNP rs587780188). The p.Val25Ala change affects a poorly conserved amino acid residue located in a domain of the CHEK2 protein that is not known to be functional. The p.Val25Ala substitution appears to be benign using several in-silico pathogenicity prediction tools (SIFT, PolyPhen2, Align GVGD, REVEL). Due to insufficient evidences, the clinical significance of the p.Val25Ala change remains unknown at this time.

Counsyl
Classification: Uncertain significance for Familial cancer of breast. Last evaluated: 2016-10-27. Review status: no assertion criteria provided. Collection method: clinical testing. Allele origin: unknown. Not counted in ClinVar's aggregate classification.

Literature cited by the submitters: PubMed 21244692 (cited by Labcorp Genetics (formerly Invitae), Labcorp and Counsyl); PubMed 22006311 (cited by Labcorp Genetics (formerly Invitae), Labcorp and Counsyl); PubMed 29458332 (cited by Labcorp Genetics (formerly Invitae), Labcorp); PubMed 22419737 (cited by Labcorp Genetics (formerly Invitae), Labcorp and Counsyl).

NM_007194.4(CHEK2):c.74T>C (p.Val25Ala)

Gene: CHEK2 (checkpoint kinase 2; minus strand). Cytogenetic location: 22q12.1.
Variant type: single nucleotide variant.
Coding change: c.74T>C on transcript NM_007194.4 (MANE Select); coding-DNA position 74, T replaced by C.
Protein change: p.Val25Ala; replaces valine 25 with alanine.
Molecular consequence: missense variant.
Genome position (GRCh38, 1-based): chr22:28,734,648, A>G on the plus strand (T>C on the coding strand, the complement: CHEK2 is on the minus strand). VCF-style: chr22-28734648-A-G. GRCh37 (hg19) VCF-style: chr22-29130636-A-G.
Other names: p.V25A:GTT>GCT; c.74T>C, p.Val25Ala (NM_001005735.3, NM_001349956.3, NM_145862.3); c.-704T>C (NM_001257387.3); short protein forms V25A.
Identifiers: ClinVar variation 128085 (VCV000128085.23), dbSNP rs587780188, ClinGen allele CA288324.
Genomic context (GRCh38, chr22:28,734,648, plus strand): 5'-GTGCTGGTAGAGGAGCTGGATATGCCCTGGGACTGTGAGGAGGAGCCTTGGGACTGGGTA[A>G]CGCTGCCATGGGGCTGTGAACAGGCACTGCTGCCATGAGACTGCTGAGCCTCAACATCCG-3'
Protein context (NP_009125.1, residues 15-35): SSACSQPHGS[Val25Ala]TQSQGSSSQS